The following is an entry in ClinVar:

NM_177438.3(DICER1):c.5091C>G (p.Ile1697Met)

Gene: DICER1 (dicer 1, ribonuclease III; minus strand). Cytogenetic location: 14q32.13.
Variant type: single nucleotide variant.
Coding change: c.5091C>G on transcript NM_177438.3 (MANE Select); coding-DNA position 5091, C replaced by G.
Protein change: p.Ile1697Met; replaces isoleucine 1697 with methionine.
Molecular consequence: missense variant. On other transcripts: non-coding transcript variant (6).
Genome position (GRCh38, 1-based): chr14:95,095,829, G>C on the plus strand (C>G on the coding strand, the complement: DICER1 is on the minus strand). VCF-style: chr14-95095829-G-C. GRCh37 (hg19) VCF-style: chr14-95562166-G-C.
Other names: c.5091C>G, p.Ile1697Met (NM_001195573.1, NM_001271282.3, NM_001291628.2 and 12 more transcripts); c.4809C>G, p.Ile1603Met (NM_001395686.1); c.4686C>G, p.Ile1562Met (NM_001395687.1, NM_001395688.1, NM_001395689.1 and 2 more transcripts); c.4524C>G, p.Ile1508Met (NM_001395691.1); c.3408C>G, p.Ile1136Met (NM_001395697.1); short protein forms I1508M, I1562M, I1697M, I1136M, I1603M.
Identifiers: ClinVar variation 3641030 (VCV003641030.2).

ClinVar aggregate classification (germline): Uncertain significance (1 of 4 stars; one submission).

Conditions:
DICER1-related tumor predisposition. Also called: DICER1 syndrome; DICER1-related pleuropulmonary blastoma cancer predisposition syndrome. Identifiers: Orphanet 284343, MedGen C3839822, MONDO:0100216.

gnomAD v4.1: 3 of 1,614,054 alleles (0.00019%); highest among the groups gnomAD compares: Admixed American, 0.0017%; no homozygotes.

Submission:

Labcorp Genetics (formerly Invitae), Labcorp
Classification: Uncertain significance for DICER1-related tumor predisposition. Last evaluated: 2024-02-19. Review status: criteria provided, single submitter. Criteria: Invitae Variant Classification Sherloc (09022015). Collection method: clinical testing. Allele origin: germline.
Comment: This sequence change replaces isoleucine, which is neutral and non-polar, with methionine, which is neutral and non-polar, at codon 1697 of the DICER1 protein (p.Ile1697Met). This variant is present in population databases (no rsID available, gnomAD 0.003%). This variant has not been reported in the literature in individuals affected with DICER1-related conditions. Advanced modeling of protein sequence and biophysical properties (such as structural, functional, and spatial information, amino acid conservation, physicochemical variation, residue mobility, and thermodynamic stability) performed at Invitae indicates that this missense variant is expected to disrupt DICER1 protein function with a positive predictive value of 80%. In summary, the available evidence is currently insufficient to determine the role of this variant in disease. Therefore, it has been classified as a Variant of Uncertain Significance.